The following is an entry in ClinVar:

NM_000136.3(FANCC):c.1502G>A (p.Gly501Asp)

Genes: FANCC (FA complementation group C; minus strand), AOPEP (aminopeptidase O (putative); plus strand). Cytogenetic location: 9q22.32.
Variant type: single nucleotide variant.
Coding change: c.1502G>A on transcript NM_000136.3 (MANE Select); coding-DNA position 1502, G replaced by A.
Protein change: p.Gly501Asp; replaces glycine 501 with aspartic acid.
Molecular consequence: missense variant.
Genome position (GRCh38, 1-based): chr9:95,107,097, C>T on the plus strand (G>A on the coding strand, the complement: FANCC is on the minus strand). VCF-style: chr9-95107097-C-T. GRCh37 (hg19) VCF-style: chr9-97869379-C-T.
Other names: c.1502G>A, p.Gly501Asp (NM_001243743.2); short protein forms G501D.
Identifiers: ClinVar variation 422397 (VCV000422397.11), dbSNP rs536599109, ClinGen allele CA16618874.

ClinVar aggregate classification (germline): Uncertain significance. Review status: criteria provided, multiple submitters, no conflicts (2 of 4 stars). 3 submissions from 3 submitters: Uncertain significance (3). Last evaluated 2025-06-29.

Conditions:
Fanconi anemia (FA). Also called: Fanconi's anemia. Identifiers: Orphanet 84, MedGen C0015625, MeSH D005199, MONDO:0019391.
Hereditary cancer-predisposing syndrome. Also called: Hereditary neoplastic syndrome; Neoplastic Syndromes, Hereditary; Tumor predisposition; Hereditary Cancer Syndrome. Identifiers: Orphanet 140162, MedGen C0027672, MeSH D009386, MONDO:0015356.

Allele frequency attached by ClinVar (database versions not stated): gnomAD exomes below 0.00001; gnomAD 0.00001; TOPMed 0.00001; 1000 Genomes Project 30x 0.00016; 1000 Genomes Project 0.00020.
gnomAD v4.1: 2 of 1,614,178 alleles (0.00012%); highest among the groups gnomAD compares: East Asian, 0.0045%; no homozygotes.

Submissions (3):

Ambry Genetics
Classification: Uncertain significance for Hereditary cancer-predisposing syndrome. Last evaluated: 2025-06-29. Review status: criteria provided, single submitter. Criteria: Ambry Variant Classification Scheme 2023. Collection method: clinical testing. Allele origin: germline.
Comment: The p.G501D variant (also known as c.1502G>A), located in coding exon 13 of the FANCC gene, results from a G to A substitution at nucleotide position 1502. The glycine at codon 501 is replaced by aspartic acid, an amino acid with similar properties. This amino acid position is highly conserved in available vertebrate species. In addition, the in silico prediction for this alteration is inconclusive. Since supporting evidence is limited at this time, the clinical significance of this alteration remains unclear.

Labcorp Genetics (formerly Invitae), Labcorp
Classification: Uncertain significance for Fanconi anemia. Last evaluated: 2024-03-23. Review status: criteria provided, single submitter. Criteria: Invitae Variant Classification Sherloc (09022015). Collection method: clinical testing. Allele origin: germline.
Comment: This sequence change replaces glycine, which is neutral and non-polar, with aspartic acid, which is acidic and polar, at codon 501 of the FANCC protein (p.Gly501Asp). This variant is not present in population databases (gnomAD no frequency). This variant has not been reported in the literature in individuals affected with FANCC-related conditions. ClinVar contains an entry for this variant (Variation ID: 422397). Advanced modeling of protein sequence and biophysical properties (such as structural, functional, and spatial information, amino acid conservation, physicochemical variation, residue mobility, and thermodynamic stability) performed at Invitae indicates that this missense variant is expected to disrupt FANCC protein function with a positive predictive value of 80%. In summary, the available evidence is currently insufficient to determine the role of this variant in disease. Therefore, it has been classified as a Variant of Uncertain Significance.

GeneDx
Classification: Uncertain significance. Last evaluated: 2016-09-30. Review status: criteria provided, single submitter. Criteria: GeneDx Variant Classification (06012015). Collection method: clinical testing. Allele origin: germline. Affected: yes.
Comment: This variant is denoted FANCC c.1502G>A at the cDNA level, p.Gly501Asp (G501D) at the protein level, and results in the change of a Glycine to an Aspartic Acid (GGC>GAC). This variant has not, to our knowledge, been published in the literature as pathogenic or benign. FANCC Gly501Asp was observed with an allele frequency of 0.1% (1/1008) in the East Asian populations in 1000 Genomes. Since Glycine and Aspartic Acid differ in polarity, charge, size or other properties, this is considered a non-conservative amino acid substitution. FANCC Gly501Asp occurs at a position where amino acids with properties similar to Glycine are tolerated across species and is located in the cdc2 binding region (Gordon 2000). In silico analyses predict that this variant is probably damaging to protein structure and function. Based on currently available evidence, it is unclear whether FANCC Gly501Asp is a pathogenic or benign variant. We consider it to be a variant of uncertain significance.